The following is an entry in ClinVar:

ClinVar aggregate classification (germline): Conflicting classifications of pathogenicity. Review status: criteria provided, conflicting classifications (1 of 4 stars). 3 submissions from 3 submitters: Uncertain significance (1); Likely benign (2). Last evaluated 2026-06-28.

Conditions:
Hearing loss, autosomal dominant 78. Also called: DEAFNESS, AUTOSOMAL DOMINANT 78. Identifiers: MedGen C5436768, MONDO:0033665, OMIM 619081.
Delpire-McNeill syndrome. Also called: SLC12A2-related autosomal dominant infantile-developmental delay-intellectual disability-sensorineural deafness syndrome. Identifiers: Orphanet 633024, MedGen C5436771, MONDO:0033667, OMIM 619083.
Kilquist syndrome (KILQS). Also called: SLC12A2-related autosomal recessive neonatal-developmental delay-intellectual disability-feeding difficulty-sensorineural deafness syndrome. Identifiers: Orphanet 633021, MedGen C5436756, MONDO:0033664, OMIM 619080.
SLC12A2-related disorder. Also called: SLC12A2-related disorders; SLC12A2-related condition.

Submissions (3):

PreventionGenetics, part of Exact Sciences
Classification: Likely benign for SLC12A2-related condition. Last evaluated: 2026-06-28. Review status: criteria provided, single submitter. Criteria: ACMG Guidelines, 2015. Collection method: clinical testing. Allele origin: germline.
Comment: This variant is classified as likely benign based on ACMG/AMP sequence variant interpretation guidelines (Richards et al. 2015 PMID: 25741868, with internal and published modifications).

Labcorp Genetics (formerly Invitae), Labcorp
Classification: Likely benign. Last evaluated: 2025-11-20. Review status: criteria provided, single submitter. Criteria: Invitae Variant Classification Sherloc (09022015). Collection method: clinical testing. Allele origin: germline.

Fulgent Genetics
Classification: Uncertain significance for Kilquist syndrome; Hearing loss, autosomal dominant 78; Delpire-McNeill syndrome. Last evaluated: 2024-01-06. Review status: criteria provided, single submitter. Criteria: ACMG Guidelines, 2015. Collection method: clinical testing. Allele origin: germline.

NM_001046.3(SLC12A2):c.562GGC[6] (p.Gly192dup)

Gene: SLC12A2 (solute carrier family 12 member 2; plus strand). Cytogenetic location: 5q23.3.
Variant type: Microsatellite.
Coding change: c.562GGC[6] on transcript NM_001046.3 (MANE Select); six copies in a row of the 3-base unit GGC starting at c.562; the reference has five copies in a row; one copy, 3 bases duplicated; also written c.574_576dup.
Protein change: p.Gly192dup; duplicates glycine 192.
Molecular consequence: inframe insertion. On other transcripts: non-coding transcript variant (1).
Genome position (GRCh38, 1-based): chr5:128,084,528-128,084,530, GGC duplicated; duplicating any 3 consecutive bases within chr5:128,084,515-128,084,530 gives the same sequence; the position shown is the placement nearest the transcript's 3' end. VCF-style (leftmost placement, unchanged base first): chr5-128084514-C-CCGG. GRCh37 (hg19) VCF-style: chr5-127420206-C-CCGG.
Other names: c.562GGC[6], p.Gly192dup (NM_001256461.2); c.574_576dup (NM_001046.3); c.574_576dupGGC (NM_001046.2).
Identifiers: ClinVar variation 1671022 (VCV001671022.10), dbSNP rs751759733, ClinGen allele CA3392842.